The following is an entry in ClinVar:

NM_001303256.3(MORC2):c.828G>A (p.Met276Ile)

Gene: MORC2 (MORC family CW-type zinc finger 2; minus strand). Cytogenetic location: 22q12.2.
Variant type: single nucleotide variant.
Coding change: c.828G>A on transcript NM_001303256.3 (MANE Select); coding-DNA position 828, G replaced by A.
Protein change: p.Met276Ile; replaces methionine 276 with isoleucine.
Molecular consequence: missense variant.
Genome position (GRCh38, 1-based): chr22:30,940,834, C>T on the plus strand (G>A on the coding strand, the complement: MORC2 is on the minus strand). VCF-style: chr22-30940834-C-T. GRCh37 (hg19) VCF-style: chr22-31336821-C-T.
Other names: c.828G>A, p.Met276Ile (NM_001303257.2); c.642G>A, p.Met214Ile (NM_014941.3); short protein forms M276I, M214I.
Identifiers: ClinVar variation 964414 (VCV000964414.10), dbSNP rs1235679626, ClinGen allele CA411240964.

ClinVar aggregate classification (germline): Uncertain significance. Review status: criteria provided, multiple submitters, no conflicts (2 of 4 stars). 2 submissions from 2 submitters: Uncertain significance (2). Last evaluated 2025-02-26.

Conditions:
Charcot-Marie-Tooth disease axonal type 2Z. Also called: CHARCOT-MARIE-TOOTH DISEASE, AXONAL, AUTOSOMAL DOMINANT, TYPE 2Z; CHARCOT-MARIE-TOOTH NEUROPATHY, TYPE 2Z. Identifiers: Orphanet 466768, MedGen C5569025, MONDO:0014736, OMIM 616688.

Allele frequency attached by ClinVar (database versions not stated): gnomAD 0.00001; gnomAD exomes 0.00001; TOPMed 0.00002.
gnomAD v4.1: 12 of 1,613,902 alleles (0.00074%); highest among the groups gnomAD compares: Non-Finnish European, 0.001%; no homozygotes.

Submissions (2):

Labcorp Genetics (formerly Invitae), Labcorp
Classification: Uncertain significance for Charcot-Marie-Tooth disease axonal type 2Z. Last evaluated: 2025-02-26. Review status: criteria provided, single submitter. Criteria: Invitae Variant Classification Sherloc (09022015). Collection method: clinical testing. Allele origin: germline.
Comment: This sequence change replaces methionine, which is neutral and non-polar, with isoleucine, which is neutral and non-polar, at codon 276 of the MORC2 protein (p.Met276Ile). This variant is not present in population databases (gnomAD no frequency). This variant has not been reported in the literature in individuals affected with MORC2-related conditions. ClinVar contains an entry for this variant (Variation ID: 964414). Invitae Evidence Modeling of protein sequence and biophysical properties (such as structural, functional, and spatial information, amino acid conservation, physicochemical variation, residue mobility, and thermodynamic stability) has been performed for this missense variant. However, the output from this modeling did not meet the statistical confidence thresholds required to predict the impact of this variant on MORC2 protein function. In summary, the available evidence is currently insufficient to determine the role of this variant in disease. Therefore, it has been classified as a Variant of Uncertain Significance.

Women's Health and Genetics/Laboratory Corporation of America, LabCorp
Classification: Uncertain significance. Last evaluated: 2025-02-03. Review status: criteria provided, single submitter. Criteria: LabCorp Variant Classification Summary - May 2015. Collection method: clinical testing. Allele origin: germline.
Comment: Variant summary: MORC2 c.828G>A (p.Met276Ile) results in a conservative amino acid change in the encoded protein sequence. Three of four in-silico tools predict a benign effect of the variant on protein function. The variant was absent in 251278 control chromosomes. The available data on variant occurrences in the general population are insufficient to allow any conclusion about variant significance. c.828G>A has been reported in the literature in at least one individual affected with triple-negative breast cancer (Zhang_2018). The report does not provide unequivocal conclusions about association of the variant with Charcot-Marie-Tooth disease axonal type 2Z. At least one publication reports experimental evidence evaluating an impact on protein function and this variant affected protein function (Zhang_2018). The following publications have been ascertained in the context of this evaluation (PMID: 30093560, 37692502). ClinVar contains an entry for this variant (Variation ID: 964414). Based on the evidence outlined above, the variant was classified as uncertain significance.

Literature cited by the submitters: PubMed 30093560 (cited by Women's Health and Genetics/Laboratory Corporation of America, LabCorp); PubMed 37692502 (cited by Women's Health and Genetics/Laboratory Corporation of America, LabCorp).